The following is an entry in ClinVar:

NM_000275.3(OCA2):c.1321G>A (p.Asp441Asn)

Gene: OCA2 (OCA2 melanosomal transmembrane protein; minus strand). Cytogenetic location: 15q13.1.
Variant type: single nucleotide variant.
Coding change: c.1321G>A on transcript NM_000275.3 (MANE Select); coding-DNA position 1321, G replaced by A.
Protein change: p.Asp441Asn; replaces aspartic acid 441 with asparagine.
Molecular consequence: missense variant.
Genome position (GRCh38, 1-based): chr15:27,985,107, C>T on the plus strand (G>A on the coding strand, the complement: OCA2 is on the minus strand). VCF-style: chr15-27985107-C-T. GRCh37 (hg19) VCF-style: chr15-28230253-C-T.
Other names: c.1249G>A, p.Asp417Asn (NM_001300984.2); short protein forms D417N, D441N.
Identifiers: ClinVar variation 2021799 (VCV002021799.4), dbSNP rs2548345259, ClinGen allele CA391360580.
Genomic context (GRCh38, chr15:27,985,107, plus strand): 5'-AGAGGTGCTTTGCGTACCTTATGGTCACAGGCGTGAAGAGGAGCATGGTGGTGACGTTGT[C>T]CAAGAAGGCAGAGAGGACGGCCGCGATGAGACAGAGCATGATGATCATGGCCCACACCCG-3'
Protein context (NP_000266.2, residues 431-451): LIAAVLSAFL[Asp441Asn]NVTTMLLFTP

ClinVar aggregate classification (germline): Likely pathogenic (1 of 4 stars; one submission).

Submission:

Labcorp Genetics (formerly Invitae), Labcorp
Classification: Likely pathogenic. Last evaluated: 2022-08-05. Review status: criteria provided, single submitter. Criteria: Invitae Variant Classification Sherloc (09022015). Collection method: clinical testing. Allele origin: germline.
Comment: This sequence change replaces aspartic acid, which is acidic and polar, with asparagine, which is neutral and polar, at codon 441 of the OCA2 protein (p.Asp441Asn). This variant is not present in population databases (gnomAD no frequency). This variant has not been reported in the literature in individuals affected with OCA2-related conditions. Advanced modeling of protein sequence and biophysical properties (such as structural, functional, and spatial information, amino acid conservation, physicochemical variation, residue mobility, and thermodynamic stability) performed at Invitae indicates that this missense variant is expected to disrupt OCA2 protein function. This variant disrupts the p.Asp441 amino acid residue in OCA2. Other variant(s) that disrupt this residue have been determined to be pathogenic (PMID: 28266639). This suggests that this residue is clinically significant, and that variants that disrupt this residue are likely to be disease-causing. In summary, the currently available evidence indicates that the variant is pathogenic, but additional data are needed to prove that conclusively. Therefore, this variant has been classified as Likely Pathogenic.

Literature cited by the submitters: PubMed 28266639.